The following is an entry in ClinVar:

ClinVar aggregate classification (germline): Benign. Review status: criteria provided, multiple submitters, no conflicts (2 of 4 stars). 3 submissions from 3 submitters: Benign (2). 1 of the submissions does not count toward it. Last evaluated 2026-01-19.

Conditions:
LAMA5-related disorder. Also called: LAMA5-Related Disorders; LAMA5-related condition.

Allele frequency attached by ClinVar (database versions not stated): gnomAD 0.00608 and 0.00570; TOPMed 0.00621; ESP Exome Variant Server 0.00647; 1000 Genomes Project 30x 0.00765; 1000 Genomes Project 0.00779; gnomAD exomes 0.00148; ExAC 0.00188.
gnomAD v4.1: 1,783 of 1,612,710 alleles (0.11%); highest among the groups gnomAD compares: African/African-American, 2.1%; 16 homozygotes.

Submissions (3):

Labcorp Genetics (formerly Invitae), Labcorp
Classification: Benign. Last evaluated: 2026-01-19. Review status: criteria provided, single submitter. Criteria: Invitae Variant Classification Sherloc (09022015). Collection method: clinical testing. Allele origin: germline.

Breakthrough Genomics
Classification: Benign. Review status: criteria provided, single submitter. Criteria: ACMG Guidelines, 2015. Collection method: not provided. Allele origin: germline. Inheritance: Autosomal recessive inheritance. Affected: yes.

PreventionGenetics, part of Exact Sciences
Classification: Benign for LAMA5-related condition. Last evaluated: 2019-04-25. Review status: no assertion criteria provided. Collection method: clinical testing. Allele origin: germline. Not counted in ClinVar's aggregate classification.
Comment: This variant is classified as benign based on ACMG/AMP sequence variant interpretation guidelines (Richards et al. 2015 PMID: 25741868, with internal and published modifications).

NM_005560.6(LAMA5):c.2007C>T (p.His669=)

Gene: LAMA5 (laminin subunit alpha 5; minus strand). Cytogenetic location: 20q13.33.
Variant type: single nucleotide variant.
Coding change: c.2007C>T on transcript NM_005560.6 (MANE Select); coding-DNA position 2007, C replaced by T.
Protein change: p.His669=; no amino-acid change (histidine 669 retained).
Molecular consequence: synonymous variant.
Genome position (GRCh38, 1-based): chr20:62,337,823, G>A on the plus strand (C>T on the coding strand, the complement: LAMA5 is on the minus strand). VCF-style: chr20-62337823-G-A. GRCh37 (hg19) VCF-style: chr20-60912879-G-A.
Identifiers: ClinVar variation 785668 (VCV000785668.13), dbSNP rs141797832, ClinGen allele CA9943687.